The following is an entry in ClinVar:

NM_005477.3(HCN4):c.4G>T (p.Asp2Tyr)

Gene: HCN4 (hyperpolarization activated cyclic nucleotide gated potassium channel 4; minus strand). Cytogenetic location: 15q24.1.
Variant type: single nucleotide variant.
Coding change: c.4G>T on transcript NM_005477.3 (MANE Select); coding-DNA position 4, G replaced by T.
Protein change: p.Asp2Tyr; replaces aspartic acid 2 with tyrosine.
Molecular consequence: missense variant.
Genome position (GRCh38, 1-based): chr15:73,368,267, C>A on the plus strand (G>T on the coding strand, the complement: HCN4 is on the minus strand). VCF-style: chr15-73368267-C-A. GRCh37 (hg19) VCF-style: chr15-73660608-C-A.
Other names: short protein forms D2Y.
Identifiers: ClinVar variation 1744712 (VCV001744712.2), dbSNP rs2549080787, ClinGen allele CA393099293.

ClinVar aggregate classification (germline): Uncertain significance (1 of 4 stars; one submission).

Conditions:
Cardiovascular phenotype. Identifiers: MedGen CN230736.

Submission:

Ambry Genetics
Classification: Uncertain significance for Cardiovascular phenotype. Last evaluated: 2021-07-25. Review status: criteria provided, single submitter. Criteria: Ambry Variant Classification Scheme 2023. Collection method: clinical testing. Allele origin: germline.
Comment: The p.D2Y variant (also known as c.4G>T), located in coding exon 1 of the HCN4 gene, results from a G to T substitution at nucleotide position 4. The aspartic acid at codon 2 is replaced by tyrosine, an amino acid with highly dissimilar properties. This variant was reported in an individual with hypertrophic cardiomyopathy (HCM), who also had an additional cardiac variant detected (Arbustini E et al. J Am Coll Cardiol, 2017 03;69:1210-1211). This amino acid position is well conserved in available vertebrate species. In addition, the in silico prediction for this alteration is inconclusive. Since supporting evidence is limited at this time, the clinical significance of this alteration remains unclear.

Literature cited by the submitters: PubMed 28254188; PubMed 28254189.